The following is an entry in ClinVar:

NM_000432.4(MYL2):c.83A>G (p.Glu28Gly)

Genes: MYL2 (myosin light chain 2; minus strand), LOC114827850 (VISTA enhancer hs2149; plus strand). Cytogenetic location: 12q24.11.
Variant type: single nucleotide variant.
Coding change: c.83A>G on transcript NM_000432.4 (MANE Select); coding-DNA position 83, A replaced by G.
Protein change: p.Glu28Gly; replaces glutamic acid 28 with glycine.
Molecular consequence: missense variant.
Genome position (GRCh38, 1-based): chr12:110,919,114, T>C on the plus strand (A>G on the coding strand, the complement: MYL2 is on the minus strand). VCF-style: chr12-110919114-T-C. GRCh37 (hg19) VCF-style: chr12-111356918-T-C.
Other names: short protein forms E28G.
Identifiers: ClinVar variation 848731 (VCV000848731.10), dbSNP rs2071703750, ClinGen allele CA386700211.

ClinVar aggregate classification (germline): Uncertain significance (1 of 4 stars; one submission).

Conditions:
Hypertrophic cardiomyopathy 10. Also called: MYL2-Related Familial Hypertrophic Cardiomyopathy; CARDIOMYOPATHY, HYPERTROPHIC, MID-LEFT VENTRICULAR CHAMBER TYPE, 2. Identifiers: MedGen C1834460, MONDO:0012112, OMIM 608758.

Submission:

Labcorp Genetics (formerly Invitae), Labcorp
Classification: Uncertain significance for Hypertrophic cardiomyopathy 10. Last evaluated: 2025-05-07. Review status: criteria provided, single submitter. Criteria: Invitae Variant Classification Sherloc (09022015). Collection method: clinical testing. Allele origin: germline.
Comment: This sequence change replaces glutamic acid, which is acidic and polar, with glycine, which is neutral and non-polar, at codon 28 of the MYL2 protein (p.Glu28Gly). This variant is not present in population databases (gnomAD no frequency). This variant has not been reported in the literature in individuals affected with MYL2-related conditions. ClinVar contains an entry for this variant (Variation ID: 848731). An algorithm developed to predict the effect of missense changes on protein structure and function (PolyPhen-2) suggests that this variant is likely to be disruptive. In summary, the available evidence is currently insufficient to determine the role of this variant in disease. Therefore, it has been classified as a Variant of Uncertain Significance.